The following is an entry in ClinVar:

NM_000127.3(EXT1):c.1349G>A (p.Gly450Glu)

Gene: EXT1 (exostosin glycosyltransferase 1; minus strand). Cytogenetic location: 8q24.11.
Variant type: single nucleotide variant.
Coding change: c.1349G>A on transcript NM_000127.3 (MANE Select); coding-DNA position 1349, G replaced by A.
Protein change: p.Gly450Glu; replaces glycine 450 with glutamic acid.
Molecular consequence: missense variant.
Genome position (GRCh38, 1-based): chr8:117,822,533, C>T on the plus strand (G>A on the coding strand, the complement: EXT1 is on the minus strand). VCF-style: chr8-117822533-C-T. GRCh37 (hg19) VCF-style: chr8-118834772-C-T.
Other names: short protein forms G450E.
Identifiers: ClinVar variation 938885 (VCV000938885.9), dbSNP rs1811942159, ClinGen allele CA371887813.

ClinVar aggregate classification (germline): Uncertain significance (1 of 4 stars; one submission).

Conditions:
Multiple congenital exostosis (EXT). Also called: Multiple exostoses; Hereditary multiple exostoses; Hereditary multiple exostosis; Hereditary multiple osteochondromas; MULTIPLE CARTILAGINOUS EXOSTOSES; Multiple osteochondromas. Identifiers: Orphanet 321, MedGen C0015306, MONDO:0005508, HP:0002762.

gnomAD v4.1: 1 of 1,613,198 alleles (0.000062%); no homozygotes.

Submission:

Labcorp Genetics (formerly Invitae), Labcorp
Classification: Uncertain significance for Multiple congenital exostosis. Last evaluated: 2019-06-24. Review status: criteria provided, single submitter. Criteria: Invitae Variant Classification Sherloc (09022015). Collection method: clinical testing. Allele origin: germline.
Comment: Algorithms developed to predict the effect of missense changes on protein structure and function are either unavailable or do not agree on the potential impact of this missense change (SIFT: "Deleterious"; PolyPhen-2: "Probably Damaging"; Align-GVGD: "Class C0"). This variant has not been reported in the literature in individuals with EXT1-related conditions. This variant is not present in population databases (ExAC no frequency). This sequence change replaces glycine with glutamic acid at codon 450 of the EXT1 protein (p.Gly450Glu). The glycine residue is highly conserved and there is a moderate physicochemical difference between glycine and glutamic acid. In summary, the available evidence is currently insufficient to determine the role of this variant in disease. Therefore, it has been classified as a Variant of Uncertain Significance.